The following is an entry in ClinVar:

NM_001170629.2(CHD8):c.2907+1G>A

Gene: CHD8 (chromodomain helicase DNA binding protein 8; minus strand). Cytogenetic location: 14q11.2.
Variant type: single nucleotide variant.
Coding change: c.2907+1G>A on transcript NM_001170629.2 (MANE Select); the canonical splice donor site of the intron after coding-DNA position 2907, G replaced by A.
Molecular consequence: splice donor variant.
Genome position (GRCh38, 1-based): chr14:21,406,855, C>T on the plus strand (G>A on the coding strand, the complement: CHD8 is on the minus strand). VCF-style: chr14-21406855-C-T. GRCh37 (hg19) VCF-style: chr14-21875014-C-T.
Other names: c.2070+1G>A (NM_020920.4).
Identifiers: ClinVar variation 3492086 (VCV003492086.1).
Genomic context (GRCh38, chr14:21,406,855, plus strand): 5'-TACCGCAAGGAATTACGGTTTATTCCAGGTGTTTCTGCTCACAAGTCAGTGTGGAACTCA[C>T]CAGGTCCATGTGCTTGAGACTATCAAGCAGCTTGCAATTACGGTTTTTCAGTCGATGGGC-3'

ClinVar aggregate classification (germline): Likely pathogenic (1 of 4 stars; one submission).

Conditions:
Inborn genetic diseases. Identifiers: MedGen C0950123, MeSH D030342.

Submission:

Ambry Genetics
Classification: Likely pathogenic for Inborn genetic diseases. Last evaluated: 2024-10-21. Review status: criteria provided, single submitter. Criteria: Ambry Variant Classification Scheme 2023. Collection method: clinical testing. Allele origin: germline.
Comment: The c.2907+1G>A intronic variant results from a G to A substitution one nucleotides after coding exon 13 of the CHD8 gene. Alterations that disrupt the canonical splice site are expected to cause aberrant splicing, resulting in an abnormal protein or a transcript that is subject to nonsense-mediated mRNA decay. This variant was not reported in population-based cohorts in the Genome Aggregation Database (gnomAD). This nucleotide position is highly conserved in available vertebrate species. In silico splice site analysis predicts that this alteration will weaken the native splice donor site and will result in the creation or strengthening of a novel splice donor site. Based on the available evidence, this alteration is classified as likely pathogenic.